The following is an entry in ClinVar:

ClinVar aggregate classification (germline): Likely pathogenic (1 of 4 stars; one submission).

Conditions:
Ellis-van Creveld syndrome (EVC). Also called: EVC-Related Ellis-van Creveld Syndrome; EVC2-Related Ellis-van Creveld Syndrome; MESOECTODERMAL DYSPLASIA; Chondroectodermal dysplasia. Identifiers: Orphanet 289, MedGen C0013903, MONDO:0009162, OMIM 225500.

Submission:

Myriad Genetics, Inc.
Classification: Likely pathogenic for Ellis-van Creveld syndrome. Last evaluated: 2022-04-05. Review status: criteria provided, single submitter. Criteria: Myriad Women's Health Autosomal Recessive and X-Linked Classification Criteria (2021). Collection method: clinical testing. Allele origin: unknown.
Comment: NM_153717.2(EVC):c.2026G>T(E676*) is expected to be pathogenic in the context of EVC-related Ellis-van Creveld syndrome. This variant is predicted to lead to an abnormal or absent protein product due to the creation of a premature termination codon in EVC, a gene where loss-of-function variants are known to be pathogenic. Please note: this variant was assessed in the context of healthy population screening.

NM_153717.3(EVC):c.2026G>T (p.Glu676Ter)

Gene: EVC (EvC ciliary complex subunit 1; plus strand). Cytogenetic location: 4p16.2.
Variant type: single nucleotide variant.
Coding change: c.2026G>T on transcript NM_153717.3 (MANE Select); coding-DNA position 2026, G replaced by T.
Protein change: p.Glu676Ter; replaces glutamic acid 676 with a stop codon.
Molecular consequence: nonsense.
Genome position (GRCh38, 1-based): chr4:5,797,161, G>T. VCF-style: chr4-5797161-G-T. GRCh37 (hg19) VCF-style: chr4-5798888-G-T.
Other names: c.2026G>T, p.Glu676Ter (NM_001306090.2); short protein forms E676*.
Identifiers: ClinVar variation 1725888 (VCV001725888.2), dbSNP rs367968708, ClinGen allele CA356143950.